The following is an entry in ClinVar:

NM_000277.1(PAH):c.1200-1delG

Gene: PAH (phenylalanine hydroxylase; minus strand). Cytogenetic location: 12q23.2.
Variant type: Deletion.
Coding change: c.1200-1delG on transcript NM_000277.1; the canonical splice acceptor site of the intron before coding-DNA position 1200, one base deleted (G).
Genome position (GRCh38, 1-based): chr12:102,840,515, C deleted on the plus strand (G on the coding strand, the reverse complement: PAH is on the minus strand); the first of 2 consecutive C bases (chr12:102,840,515-102,840,516); deleting either gives the same sequence. VCF-style (leftmost placement, unchanged base first): chr12-102840514-TC-T. GRCh37 (hg19) VCF-style: chr12-103234292-TC-T.
Identifiers: ClinVar variation 102564 (VCV000102564.4), dbSNP rs63186960, ClinGen allele CA229394.

ClinVar aggregate classification (germline): Likely pathogenic. Review status: reviewed by expert panel (3 of 4 stars). 2 submissions from 2 submitters: Likely pathogenic (1). 1 of the submissions does not count toward it. Last evaluated 2022-12-09.

Conditions:
Phenylketonuria (PKU). Also called: OLIGOPHRENIA PHENYLPYRUVICA; Phenylketonurias; Phenylketonuria (PKU); FOLLING DISEASE. Identifiers: Orphanet 716, MedGen C0031485, MONDO:0009861, OMIM 261600. Disease mechanism: loss of function.

Submissions (2):

ClinGen PAH Variant Curation Expert Panel
Classification: Likely pathogenic for Phenylketonuria. Last evaluated: 2022-12-09. Review status: reviewed by expert panel. Criteria: ClinGen PAH ACMG Specifications v1. Collection method: curation. Allele origin: germline. Inheritance: Autosomal recessive inheritance.
Comment: The NM_000277.3(PAH):c.1200del variant (also reported as c.1200-1del) is a frameshift variant in exon 12 of 13 that may cause loss of function of the protein, however it is predicted to escape nonsense mediated decay, due to the resulting premature stop codon in exon 13, and therefore remove 0.4% of the protein. Exon 13 is considered a critical region because it (along with Exon 12) forms the oligomerization domain (residues 411-452), which is responsible for the dimerization and tetramerization of the enzyme, important for regulation of PAH activity (PVS1_Strong). At least one patient (PMID: 8825461) with this variant had classic PKU with a serum phenylalanine level of 1468 umol/l (PP4). This patient is compound heterozygous for c.11200del and Arg408Trp (ClinVar 577, classified Pathogenic by the PAH VCEP) without confirmation of phase (PM3_supporting). This variant is absent from gnomAD v2.1.1 (PM2). In summary, this variant meets the criteria to be classified as pathogenic for autosomal recessive phenylketonuria based on the ACMG/AMP criteria applied, as specified by the ClinGen PAH VCEP: PVS1, PP4, PM3_supporting, PM2. (PAH VCEP specifications version 1).

DeBelle Laboratory for Biochemical Genetics, MUHC/MCH RESEARCH INSTITUTE
No classification provided. Review status: no classification provided. Collection method: not provided. Allele origin: not provided. Not counted in ClinVar's aggregate classification.